The following is an entry in ClinVar:

ClinVar aggregate classification (germline): Uncertain significance (1 of 4 stars; one submission).

gnomAD v4.1: 64 of 1,613,798 alleles (0.004%); highest among the groups gnomAD compares: Non-Finnish European, 0.0054%; no homozygotes.

Submission:

Labcorp Genetics (formerly Invitae), Labcorp
Classification: Uncertain significance. Last evaluated: 2025-05-05. Review status: criteria provided, single submitter. Criteria: Invitae Variant Classification Sherloc (09022015). Collection method: clinical testing. Allele origin: germline.
Comment: This sequence change falls in intron 53 of the ITPR1 gene. It does not directly change the encoded amino acid sequence of the ITPR1 protein. It affects a nucleotide within the consensus splice site. This variant is present in population databases (rs748317274, gnomAD 0.003%). This variant has not been reported in the literature in individuals affected with ITPR1-related conditions. Variants that disrupt the consensus splice site are a relatively common cause of aberrant splicing (PMID: 17576681, 9536098). Algorithms developed to predict the effect of sequence changes on RNA splicing suggest that this variant is not likely to affect RNA splicing. In summary, the available evidence is currently insufficient to determine the role of this variant in disease. Therefore, it has been classified as a Variant of Uncertain Significance.

Literature cited by the submitters: PubMed 17576681; PubMed 9536098.

NM_001378452.1(ITPR1):c.7562-3C>T

Genes: ITPR1 (inositol 1,4,5-trisphosphate receptor type 1; plus strand), LOC126806590 (MED14-independent group 3 enhancer GRCh37_chr3:4855759-4856958; plus strand). Cytogenetic location: 3p26.1.
Variant type: single nucleotide variant.
Coding change: c.7562-3C>T on transcript NM_001378452.1 (MANE Select); 3 bases into the intron before coding-DNA position 7562, C replaced by T.
Molecular consequence: intron variant.
Genome position (GRCh38, 1-based): chr3:4,814,420, C>T. VCF-style: chr3-4814420-C-T. GRCh37 (hg19) VCF-style: chr3-4856104-C-T.
Other names: c.7418-3C>T (NM_001099952.4); c.7517-3C>T (NM_001168272.2); c.7373-3C>T (NM_002222.7).
Identifiers: ClinVar variation 4740704 (VCV004740704.1).